The following is an entry in ClinVar:

NM_001184825.2(PSG1):c.709+8T>A

Gene: PSG1 (pregnancy specific beta-1-glycoprotein 1; minus strand). Cytogenetic location: 19q13.2.
Variant type: single nucleotide variant.
Coding change: c.709+8T>A on transcript NM_001184825.2 (MANE Select); 8 bases into the intron after coding-DNA position 709, T replaced by A.
Molecular consequence: intron variant.
Genome position (GRCh38, 1-based): chr19:42,871,759, A>T on the plus strand (T>A on the coding strand, the complement: PSG1 is on the minus strand). VCF-style: chr19-42871759-A-T. GRCh37 (hg19) VCF-style: chr19-43375911-A-T.
Other names: c.431-2725T>A (NM_001330524.2); c.709+8T>A (NM_001184826.2, NM_001297773.2, NM_006905.3).
Identifiers: ClinVar variation 2650047 (VCV002650047.24), dbSNP rs202154047, ClinGen allele CA9480463.
Genomic context (GRCh38, chr19:42,871,759, plus strand): 5'-AGGCCTGGCCTCTGGCCACGTGTATTTGGGATGGCAGCCTGGCTCACAGAGGAACAGAAG[A>T]TACTCACGGAGGAGATTCAGGGTGACTGGGTCACTGCGGCTGGCACTCACTGGGTTCCGT-3'

ClinVar aggregate classification (germline): Likely benign (1 of 4 stars; one submission).

Allele frequency attached by ClinVar (database versions not stated): gnomAD exomes 0.00023; gnomAD 0.00030; TOPMed 0.00030; ExAC 0.00031; ESP Exome Variant Server 0.00046.
gnomAD v4.1: 409 of 1,612,468 alleles (0.025%); highest among the groups gnomAD compares: Middle Eastern, 0.033%; 11 homozygotes.

Submission:

CeGaT Center for Human Genetics Tuebingen
Classification: Likely benign. Last evaluated: 2023-10-01. Review status: criteria provided, single submitter. Criteria: CeGaT Center For Human Genetics Tuebingen Variant Classification Criteria Version 2. Collection method: clinical testing. Allele origin: germline. Affected: yes. Observed: 1 variant allele.
Comment: PSG1: BP4, BS1